The following is an entry in ClinVar:

ClinVar aggregate classification (germline): Uncertain significance. Review status: criteria provided, multiple submitters, no conflicts (2 of 4 stars). 3 submissions from 3 submitters: Uncertain significance (3). Last evaluated 2025-02-17.

Conditions:
Hypertrophic cardiomyopathy 12. Identifiers: MedGen C2677491, MONDO:0012804, OMIM 612124.
Dilated cardiomyopathy 1M (CMD1M). Identifiers: Orphanet 154, MedGen C1843808, MONDO:0011840, OMIM 607482.
Cardiovascular phenotype. Identifiers: MedGen CN230736.

gnomAD v4.1: 26 of 1,613,924 alleles (0.0016%); highest among the groups gnomAD compares: East Asian, 0.031%; 1 homozygote.

Submissions (3):

Labcorp Genetics (formerly Invitae), Labcorp
Classification: Uncertain significance for Hypertrophic cardiomyopathy 12; Dilated cardiomyopathy 1M. Last evaluated: 2025-02-17. Review status: criteria provided, single submitter. Criteria: Invitae Variant Classification Sherloc (09022015). Collection method: clinical testing. Allele origin: germline.
Comment: This sequence change replaces alanine, which is neutral and non-polar, with threonine, which is neutral and polar, at codon 77 of the CSRP3 protein (p.Ala77Thr). This variant is present in population databases (rs746207, gnomAD 0.02%). This missense change has been observed in individual(s) with hypertrophic cardiomyopathy and/or sudden unexplained death (PMID: 29247119, 32492895). ClinVar contains an entry for this variant (Variation ID: 1055034). An algorithm developed to predict the effect of missense changes on protein structure and function (PolyPhen-2) suggests that this variant is likely to be disruptive. In summary, the available evidence is currently insufficient to determine the role of this variant in disease. Therefore, it has been classified as a Variant of Uncertain Significance.

Ambry Genetics
Classification: Uncertain significance for Cardiovascular phenotype. Last evaluated: 2024-11-09. Review status: criteria provided, single submitter. Criteria: Ambry Variant Classification Scheme 2023. Collection method: clinical testing. Allele origin: germline.
Comment: The p.A77T variant (also known as c.229G>A), located in coding exon 2 of the CSRP3 gene, results from a G to A substitution at nucleotide position 229. The alanine at codon 77 is replaced by threonine, an amino acid with similar properties. This variant has been detected in hypertrophic cardiomyopathy and sudden unexplained death cohorts, but clinical details were limited (Lin Y et al. Circ Cardiovasc Genet, 2017 Dec;10; Kim HY et al. J Clin Med, 2020 Jun;9). This amino acid position is highly conserved in available vertebrate species. In addition, this alteration is predicted to be deleterious by in silico analysis. Based on the available evidence, the clinical significance of this variant remains unclear.

Blueprint Genetics
Classification: Uncertain significance. Last evaluated: 2019-08-15. Review status: criteria provided, single submitter. Criteria: ACMG Guidelines, 2015. Collection method: clinical testing. Allele origin: germline.

Literature cited by the submitters: PubMed 29247119 (cited by Labcorp Genetics (formerly Invitae), Labcorp and Ambry Genetics); PubMed 32492895 (cited by Labcorp Genetics (formerly Invitae), Labcorp and Ambry Genetics).

NM_003476.5(CSRP3):c.229G>A (p.Ala77Thr)

Gene: CSRP3 (cysteine and glycine rich protein 3; minus strand). Cytogenetic location: 11p15.1.
Variant type: single nucleotide variant.
Coding change: c.229G>A on transcript NM_003476.5 (MANE Select); coding-DNA position 229, G replaced by A.
Protein change: p.Ala77Thr; replaces alanine 77 with threonine.
Molecular consequence: missense variant. On other transcripts: intron variant (1).
Genome position (GRCh38, 1-based): chr11:19,188,188, C>T on the plus strand (G>A on the coding strand, the complement: CSRP3 is on the minus strand). VCF-style: chr11-19188188-C-T. GRCh37 (hg19) VCF-style: chr11-19209735-C-T.
Other names: c.113-1840G>A (NM_001369404.1); c.229G>A (NM_003476.3); short protein forms A77T.
Identifiers: ClinVar variation 1055034 (VCV001055034.12), dbSNP rs746207, ClinGen allele CA5916616.